The following is an entry in ClinVar:

NM_000169.3(GLA):c.238G>A (p.Gly80Ser)

Genes: GLA (galactosidase alpha; minus strand), RPL36A-HNRNPH2 (RPL36A-HNRNPH2 readthrough; plus strand). Cytogenetic location: Xq22.1.
Variant type: single nucleotide variant.
Coding change: c.238G>A on transcript NM_000169.3 (MANE Select); coding-DNA position 238, G replaced by A.
Protein change: p.Gly80Ser; replaces glycine 80 with serine.
Molecular consequence: missense variant. On other transcripts: non-coding transcript variant (3), intron variant (2).
Genome position (GRCh38, 1-based): chrX:101,403,942, C>T on the plus strand (G>A on the coding strand, the complement: GLA is on the minus strand). VCF-style: chrX-101403942-C-T. GRCh37 (hg19) VCF-style: chrX-100658930-C-T.
Other names: c.361G>A, p.Gly121Ser (NM_001406747.1, NM_001406749.1); c.238G>A, p.Gly80Ser (NM_001406748.1); c.301-7994C>T (NM_001199973.2); c.178-7994C>T (NM_001199974.2); short protein forms G121S, G80S.
Identifiers: ClinVar variation 4823680 (VCV004823680.4).

ClinVar aggregate classification (germline): Uncertain significance (1 of 4 stars; one submission).

Submission:

CeGaT Center for Human Genetics Tuebingen
Classification: Uncertain significance. Last evaluated: 2026-03-01. Review status: criteria provided, single submitter. Criteria: CeGaT Center For Human Genetics Tuebingen Variant Classification Criteria Version 2. Collection method: clinical testing. Allele origin: germline. Affected: yes. Observed: 1 variant allele.
Comment: GLA: PM2, PM5